The following is an entry in ClinVar:

ClinVar aggregate classification (germline): Benign (1 of 4 stars; one submission).

Allele frequency attached by ClinVar (database versions not stated): 1000 Genomes Project 30x 0.29091; 1000 Genomes Project 0.29313; TOPMed 0.29469.
gnomAD v4.1: 46,127 of 152,106 alleles (30%); highest among the groups gnomAD compares: South Asian, 41%; 7,701 homozygotes.

Submission:

GeneDx
Classification: Benign. Last evaluated: 2018-06-14. Review status: criteria provided, single submitter. Criteria: GeneDx Variant Classification (06012015). Collection method: clinical testing. Allele origin: germline. Affected: yes.
Comment: This variant is considered likely benign or benign based on one or more of the following criteria: it is a conservative change, it occurs at a poorly conserved position in the protein, it is predicted to be benign by multiple in silico algorithms, and/or has population frequency not consistent with disease.

NM_025152.3(NUBPL):c.292-253A>C

Gene: NUBPL (NUBP iron-sulfur cluster assembly factor, mitochondrial; plus strand). Cytogenetic location: 14q12.
Variant type: single nucleotide variant.
Coding change: c.292-253A>C on transcript NM_025152.3 (MANE Select); 253 bases into the intron before coding-DNA position 292, A replaced by C.
Molecular consequence: intron variant.
Genome position (GRCh38, 1-based): chr14:31,599,036, A>C. VCF-style: chr14-31599036-A-C. GRCh37 (hg19) VCF-style: chr14-32068242-A-C.
Other names: c.4-253A>C (NM_001201573.2).
Identifiers: ClinVar variation 671489 (VCV000671489.1), dbSNP rs4981105, ClinGen allele CA13933681.